The following is an entry in ClinVar:

NM_001943.5(DSG2):c.2741C>G (p.Ser914Cys)

Genes: DSG2 (desmoglein 2; plus strand), DSG2-AS1 (DSG2 antisense RNA 1; minus strand). Cytogenetic location: 18q12.1.
Variant type: single nucleotide variant.
Coding change: c.2741C>G on transcript NM_001943.5 (MANE Select); coding-DNA position 2741, C replaced by G.
Protein change: p.Ser914Cys; replaces serine 914 with cysteine.
Molecular consequence: missense variant.
Genome position (GRCh38, 1-based): chr18:31,546,127, C>G. VCF-style: chr18-31546127-C-G. GRCh37 (hg19) VCF-style: chr18-29126090-C-G.
Other names: c.2741C>G (LRG_397t1); short protein forms S914C.
Identifiers: ClinVar variation 661536 (VCV000661536.9), dbSNP rs771214695, ClinGen allele CA047058.

ClinVar aggregate classification (germline): Uncertain significance. Review status: criteria provided, multiple submitters, no conflicts (2 of 4 stars). 2 submissions from 2 submitters: Uncertain significance (2). Last evaluated 2025-09-25.

Conditions:
Cardiovascular phenotype. Identifiers: MedGen CN230736.
Arrhythmogenic right ventricular dysplasia 10. Also called: Arrhythmogenic right ventricular dysplasia/cardiomyopathy, type 10; ARRHYTHMOGENIC RIGHT VENTRICULAR DYSPLASIA, FAMILIAL, 10; Arrhythmogenic Right Ventricular Dysplasia/Cardiomyopathy10. Identifiers: MedGen C1857777, MONDO:0012434, OMIM 610193.

Allele frequency attached by ClinVar (database versions not stated): ExAC 0.00001; gnomAD 0.00001.
gnomAD v4.1: 2 of 1,614,068 alleles (0.00012%); highest among the groups gnomAD compares: Non-Finnish European, 0.00017%; no homozygotes.

Submissions (2):

Ambry Genetics
Classification: Uncertain significance for Cardiovascular phenotype. Last evaluated: 2025-09-25. Review status: criteria provided, single submitter. Criteria: Ambry Variant Classification Scheme 2023. Collection method: clinical testing. Allele origin: germline.
Comment: The p.S914C variant (also known as c.2741C>G), located in coding exon 15 of the DSG2 gene, results from a C to G substitution at nucleotide position 2741. The serine at codon 914 is replaced by cysteine, an amino acid with dissimilar properties. This amino acid position is conserved. In addition, the in silico prediction for this alteration is inconclusive. Based on the available evidence, the clinical significance of this variant remains unclear.

Labcorp Genetics (formerly Invitae), Labcorp
Classification: Uncertain significance for Arrhythmogenic right ventricular dysplasia 10. Last evaluated: 2022-09-12. Review status: criteria provided, single submitter. Criteria: Invitae Variant Classification Sherloc (09022015). Collection method: clinical testing. Allele origin: germline.
Comment: This variant is present in population databases (rs771214695, gnomAD 0.0009%). In summary, the available evidence is currently insufficient to determine the role of this variant in disease. Therefore, it has been classified as a Variant of Uncertain Significance. Advanced modeling of protein sequence and biophysical properties (such as structural, functional, and spatial information, amino acid conservation, physicochemical variation, residue mobility, and thermodynamic stability) performed at Invitae indicates that this missense variant is not expected to disrupt DSG2 protein function. ClinVar contains an entry for this variant (Variation ID: 661536). This variant has not been reported in the literature in individuals affected with DSG2-related conditions. This sequence change replaces serine, which is neutral and polar, with cysteine, which is neutral and slightly polar, at codon 914 of the DSG2 protein (p.Ser914Cys).